The following is an entry in ClinVar:

ClinVar aggregate classification (germline): Uncertain significance (1 of 4 stars; one submission).

Conditions:
Hereditary cancer-predisposing syndrome. Also called: Neoplastic Syndromes, Hereditary; Tumor predisposition; Hereditary Cancer Syndrome; Hereditary neoplastic syndrome. Identifiers: Orphanet 140162, MedGen C0027672, MeSH D009386, MONDO:0015356.

Submission:

Color Diagnostics, LLC DBA Color Health
Classification: Uncertain significance for Hereditary cancer-predisposing syndrome. Last evaluated: 2022-03-01. Review status: criteria provided, single submitter. Criteria: ACMG Guidelines, 2015. Collection method: clinical testing. Allele origin: germline.
Comment: This missense variant replaces serine with threonine at codon 1460 of the BRCA1 protein. Computational prediction suggests that this variant may not impact protein structure and function (internally defined REVEL score threshold <= 0.5, PMID: 27666373). To our knowledge, functional studies have not been reported for this variant. This variant has not been reported in individuals affected with hereditary cancer in the literature. This variant has not been identified in the general population by the Genome Aggregation Database (gnomAD). The available evidence is insufficient to determine the role of this variant in disease conclusively. Therefore, this variant is classified as a Variant of Uncertain Significance.

NM_007294.4(BRCA1):c.4379G>C (p.Ser1460Thr)

Gene: BRCA1 (BRCA1 DNA repair associated; minus strand). Cytogenetic location: 17q21.31.
Variant type: single nucleotide variant.
Coding change: c.4379G>C on transcript NM_007294.4 (MANE Select); coding-DNA position 4379, G replaced by C.
Protein change: p.Ser1460Thr; replaces serine 1460 with threonine.
Molecular consequence: missense variant. On other transcripts: intron variant (3).
Genome position (GRCh38, 1-based): chr17:43,076,593, C>G on the plus strand (G>C on the coding strand, the complement: BRCA1 is on the minus strand). VCF-style: chr17-43076593-C-G. GRCh37 (hg19) VCF-style: chr17-41228610-C-G.
Other names: c.4439G>C, p.Ser1480Thr (NM_001407591.1, NM_001407590.1); c.4379G>C, p.Ser1460Thr (NM_001407593.1, NM_001407594.1, NM_001407596.1 and 8 more transcripts); c.4166G>C, p.Ser1389Thr (NM_001407571.1, NM_001407894.1, NM_001407895.1 and 12 more transcripts); c.4445G>C, p.Ser1482Thr (NM_001407581.1, NM_001407582.1); c.4442G>C, p.Ser1481Thr (NM_001407583.1, NM_001407585.1, NM_001407587.1 and 1 more transcripts); c.4376G>C, p.Ser1459Thr (NM_001407610.1, NM_001407611.1, NM_001407612.1 and 17 more transcripts); c.4373G>C, p.Ser1458Thr (NM_001407627.1, NM_001407628.1, NM_001407629.1 and 14 more transcripts); c.4370G>C, p.Ser1457Thr (NM_001407644.1, NM_001407645.1); and 71 more; short protein forms S1164T, S1291T, S1331T, S1371T, S1411T, S1413T, S1417T, S1433T.
Identifiers: ClinVar variation 2774835 (VCV002774835.2), dbSNP rs397509167, ClinGen allele CA10592782.
Genomic context (GRCh38, chr17:43,076,593, plus strand): 5'-GACACCTCAAACTTGTCAGCAGAAAGGCCTTCTGGATTCTGGCTTATAGGGTATTCACTA[C>G]TTTTCTGTGAAGTTAATACTGCTTTAAATGGAATGAGAAAACAAATCTACTTTACTGCTT-3'
Protein context (NP_009225.1, residues 1450-1470): SEKAVLTSQK[Ser1460Thr]SEYPISQNPE